The following is an entry in ClinVar:

NM_005359.6(SMAD4):c.668-3T>C

Gene: SMAD4 (SMAD family member 4; plus strand). Cytogenetic location: 18q21.2.
Variant type: single nucleotide variant.
Coding change: c.668-3T>C on transcript NM_005359.6 (MANE Select); 3 bases into the intron before coding-DNA position 668, T replaced by C.
Molecular consequence: intron variant.
Genome position (GRCh38, 1-based): chr18:51,058,122, T>C. VCF-style: chr18-51058122-T-C. GRCh37 (hg19) VCF-style: chr18-48584492-T-C.
Identifiers: ClinVar variation 568560 (VCV000568560.11), dbSNP rs1568206021, ClinGen allele CA891844454.
Genomic context (GRCh38, chr18:51,058,122, plus strand): 5'-GTATATGAAATCATAAGATGACATCTATGAATGTACCATGTTAATGTCTTCTTGTTCCTC[T>C]AGGTCAGCCTGCCAGTATACTGGGGGGCAGCCATAGTGAAGGACTGTTGCAGATAGCATC-3'

ClinVar aggregate classification (germline): Conflicting classifications of pathogenicity. Review status: criteria provided, conflicting classifications (1 of 4 stars). 2 submissions from 2 submitters: Uncertain significance (1); Likely benign (1). Last evaluated 2025-05-04.

Conditions:
Juvenile polyposis syndrome (JPS). Identifiers: Orphanet 2929, MedGen C0345893, MONDO:0017380, OMIM 174900.
Juvenile polyposis/hereditary hemorrhagic telangiectasia syndrome (JPHT). Also called: Juvenile Polyposis Syndrome / Hereditary Hemorrhagic Telangiectasia (JPS/HHT); JP/HHT SYNDROME; JUVENILE POLYPOSIS WITH HEREDITARY HEMORRHAGIC TELANGIECTASIA; POLYPOSIS, GENERALIZED JUVENILE, WITH PULMONARY ARTERIOVENOUS MALFORMATION; TELANGIECTASIA, HEREDITARY HEMORRHAGIC, WITH JUVENILE POLYPOSIS COLI. Identifiers: Orphanet 2929, MedGen C1832942, MONDO:0008278, OMIM 175050.

Submissions (2):

Labcorp Genetics (formerly Invitae), Labcorp
Classification: Uncertain significance for Juvenile polyposis syndrome. Last evaluated: 2025-05-04. Review status: criteria provided, single submitter. Criteria: Invitae Variant Classification Sherloc (09022015). Collection method: clinical testing. Allele origin: germline.
Comment: This sequence change falls in intron 5 of the SMAD4 gene. It does not directly change the encoded amino acid sequence of the SMAD4 protein. It affects a nucleotide within the consensus splice site. This variant is not present in population databases (gnomAD no frequency). This variant has not been reported in the literature in individuals affected with SMAD4-related conditions. ClinVar contains an entry for this variant (Variation ID: 568560). Variants that disrupt the consensus splice site are a relatively common cause of aberrant splicing (PMID: 17576681, 9536098). Algorithms developed to predict the effect of sequence changes on RNA splicing suggest that this variant is not likely to affect RNA splicing. In summary, the available evidence is currently insufficient to determine the role of this variant in disease. Therefore, it has been classified as a Variant of Uncertain Significance.

Myriad Genetics, Inc.
Classification: Likely benign for Juvenile polyposis/hereditary hemorrhagic telangiectasia syndrome. Last evaluated: 2025-03-19. Review status: criteria provided, single submitter. Criteria: Myriad Autosomal Dominant, Autosomal Recessive and X-Linked Classification Criteria (2023). Collection method: clinical testing. Allele origin: unknown.
Comment: This variant is considered likely benign. This variant is intronic and is not expected to impact mRNA splicing.

Literature cited by the submitters: PubMed 17576681 (cited by Labcorp Genetics (formerly Invitae), Labcorp); PubMed 9536098 (cited by Labcorp Genetics (formerly Invitae), Labcorp).